The following is an entry in ClinVar:

NM_003924.4(PHOX2B):c.767_768insGGCGGCGGCCGCGGC (p.Ala260_Gly261insAlaAlaAlaAlaAla)

Genes: PHOX2B (paired like homeobox 2B; minus strand), LOC110011216 (paired like homeobox 2b polyalanine repeat instability region; plus strand). Cytogenetic location: 4p13.
Variant type: Insertion.
Coding change: c.767_768insGGCGGCGGCCGCGGC on transcript NM_003924.4 (MANE Select); coding-DNA positions 767 to 768, GGCGGCGGCCGCGGC inserted.
Protein change: p.Ala260_Gly261insAlaAlaAlaAlaAla.
Molecular consequence: inframe indel (on NM_003924.3).
Genome position: GRCh38 VCF-style: chr4-41745984-T-TGCCGCGGCCGCCGCC. GRCh37 (hg19) VCF-style: chr4-41748001-T-TGCCGCGGCCGCCGCC.
Other names: c.767_768insGGCGGCGGCCGCGGC (NM_003924.3).
Identifiers: ClinVar variation 4136097 (VCV004136097.1).

ClinVar aggregate classification (germline): Pathogenic (1 of 4 stars; one submission).

Conditions:
Hereditary cancer-predisposing syndrome. Also called: Hereditary neoplastic syndrome; Neoplastic Syndromes, Hereditary; Tumor predisposition; Hereditary Cancer Syndrome. Identifiers: Orphanet 140162, MedGen C0027672, MeSH D009386, MONDO:0015356.

Submission:

Ambry Genetics
Classification: Pathogenic for Hereditary cancer-predisposing syndrome. Last evaluated: 2025-09-02. Review status: criteria provided, single submitter. Criteria: Ambry Variant Classification Scheme 2023. Collection method: clinical testing. Allele origin: germline.
Comment: The p.Ala241[25] pathogenic mutation, located in coding exon 3 of the PHOX2B gene, results from an expansion of the polyalanine repeat region from 20 to 25 repeats. This expansion mutation is associated with congenital central hypoventilation syndrome (Amiel J et al. Nat. Genet., 2003 Apr;33(4):459-61; Matera I et al. J. Med. Genet., 2004 May;41(5):373-80; Serra A et al. Ann. Hum. Genet., 2010 Jul;74(4):369-74; Australian Genomics Health Alliance Acute Care Flagship. JAMA 2020 06;323(24):2503-11). This variant is considered to be rare based on population cohorts in the Genome Aggregation Database (gnomAD). Based on the supporting evidence, this alteration is interpreted as a disease-causing mutation.